The following is an entry in ClinVar:

NM_199420.4(POLQ):c.2791T>G (p.Tyr931Asp)

Gene: POLQ (DNA polymerase theta; minus strand). Cytogenetic location: 3q13.33.
Variant type: single nucleotide variant.
Coding change: c.2791T>G on transcript NM_199420.4 (MANE Select); coding-DNA position 2791, T replaced by G.
Protein change: p.Tyr931Asp; replaces tyrosine 931 with aspartic acid.
Molecular consequence: missense variant.
Genome position (GRCh38, 1-based): chr3:121,490,140, A>C on the plus strand (T>G on the coding strand, the complement: POLQ is on the minus strand). VCF-style: chr3-121490140-A-C. GRCh37 (hg19) VCF-style: chr3-121208987-A-C.
Other names: short protein forms Y931D.
Identifiers: ClinVar variation 1796059 (VCV001796059.2), dbSNP rs1265582367, ClinGen allele CA354104585.

ClinVar aggregate classification (germline): Uncertain significance (1 of 4 stars; one submission).

Allele frequency attached by ClinVar (database versions not stated): TOPMed 0.00001.
gnomAD v4.1: 5 of 1,609,244 alleles (0.00031%); highest among the groups gnomAD compares: Non-Finnish European, 0.00034%; no homozygotes.

Submission:

Ambry Genetics
Classification: Uncertain significance. Last evaluated: 2023-11-16. Review status: criteria provided, single submitter. Criteria: Ambry Variant Classification Scheme 2023. Collection method: clinical testing. Allele origin: germline.
Comment: The p.Y931D variant (also known as c.2791T>G), located in coding exon 16 of the POLQ gene, results from a T to G substitution at nucleotide position 2791. The tyrosine at codon 931 is replaced by aspartic acid, an amino acid with highly dissimilar properties. This amino acid position is conserved. In addition, this alteration is predicted to be tolerated by in silico analysis. Since supporting evidence is limited at this time, the clinical significance of this alteration remains unclear.